The following is an entry in ClinVar:

ClinVar aggregate classification (germline): Uncertain significance. Review status: criteria provided, multiple submitters, no conflicts (2 of 4 stars). 2 submissions from 2 submitters: Uncertain significance (2). Last evaluated 2025-10-19.

Conditions:
Hereditary cancer-predisposing syndrome. Also called: Neoplastic Syndromes, Hereditary; Hereditary Cancer Syndrome; Hereditary neoplastic syndrome; Tumor predisposition. Identifiers: Orphanet 140162, MedGen C0027672, MeSH D009386, MONDO:0015356.
Hereditary breast ovarian cancer syndrome. Also called: Hereditary breast and ovarian cancer syndrome (HBOC); Hereditary breast and ovarian cancer syndrome; Breast and ovarian cancer; BRCA1- and BRCA2-Associated Hereditary Breast and Ovarian Cancer; Hereditary breast and ovarian cancer; Hereditary breast and/or ovarian cancer syndrome. Identifiers: Orphanet 145, MedGen C0677776, MeSH D061325, MONDO:0003582. Disease mechanism: loss of function.

Submissions (2):

Labcorp Genetics (formerly Invitae), Labcorp
Classification: Uncertain significance for Hereditary breast ovarian cancer syndrome. Last evaluated: 2025-10-19. Review status: criteria provided, single submitter. Criteria: Invitae Variant Classification Sherloc (09022015). Collection method: clinical testing. Allele origin: germline.
Comment: This sequence change replaces serine, which is neutral and polar, with proline, which is neutral and non-polar, at codon 3239 of the BRCA2 protein (p.Ser3239Pro). This variant is not present in population databases (gnomAD no frequency). This variant has not been reported in the literature in individuals affected with BRCA2-related conditions. ClinVar contains an entry for this variant (Variation ID: 479289). Invitae Evidence Modeling of protein sequence and biophysical properties (such as structural, functional, and spatial information, amino acid conservation, physicochemical variation, residue mobility, and thermodynamic stability) indicates that this missense variant is not expected to disrupt BRCA2 protein function with a negative predictive value of 95%. In summary, the available evidence is currently insufficient to determine the role of this variant in disease. Therefore, it has been classified as a Variant of Uncertain Significance.

Ambry Genetics
Classification: Uncertain significance for Hereditary cancer-predisposing syndrome. Last evaluated: 2016-01-10. Review status: criteria provided, single submitter. Criteria: Ambry Variant Classification Scheme 2023. Collection method: clinical testing. Allele origin: germline.
Comment: The p.S3239P variant (also known as c.9715T>C), located in coding exon 26 of the BRCA2 gene, results from a T to C substitution at nucleotide position 9715. The serine at codon 3239 is replaced by proline, an amino acid with similar properties. This variant was not reported in population based cohorts in the following databases: Database of Single Nucleotide Polymorphisms (dbSNP), NHLBI Exome Sequencing Project (ESP), and 1000 Genomes Project. In the ESP, this variant was not observed in 6503 samples (13006 alleles) with coverage at this position. To date, this alteration has been detected with an allele frequency of approximately 0.0004% (greater than 225000 alleles tested) in our clinical cohort. This amino acid position is not well conserved in available vertebrate species. In addition, this alteration is predicted to be tolerated by in silico analysis. Since supporting evidence is limited at this time, the clinical significance of p.S3239P remains unclear.

NM_000059.4(BRCA2):c.9715T>C (p.Ser3239Pro)

Gene: BRCA2 (BRCA2 DNA repair associated; plus strand). Cytogenetic location: 13q13.1.
Variant type: single nucleotide variant.
Coding change: c.9715T>C on transcript NM_000059.4 (MANE Select); coding-DNA position 9715, T replaced by C.
Protein change: p.Ser3239Pro; replaces serine 3239 with proline.
Molecular consequence: missense variant.
Genome position (GRCh38, 1-based): chr13:32,398,228, T>C. VCF-style: chr13-32398228-T-C. GRCh37 (hg19) VCF-style: chr13-32972365-T-C.
Other names: short protein forms S3239P.
Identifiers: ClinVar variation 479289 (VCV000479289.8), dbSNP rs1555289926, ClinGen allele CA387765456.